The following is an entry in ClinVar:

ClinVar aggregate classification (germline): Uncertain significance (1 of 4 stars; one submission).

Conditions:
Hereditary cancer-predisposing syndrome. Also called: Neoplastic Syndromes, Hereditary; Tumor predisposition; Hereditary Cancer Syndrome; Hereditary neoplastic syndrome. Identifiers: Orphanet 140162, MedGen C0027672, MeSH D009386, MONDO:0015356.

Submission:

Ambry Genetics
Classification: Uncertain significance for Hereditary cancer-predisposing syndrome. Last evaluated: 2025-11-02. Review status: criteria provided, single submitter. Criteria: Ambry Variant Classification Scheme 2023. Collection method: clinical testing. Allele origin: germline.
Comment: The p.T906A variant (also known as c.2716A>G), located in coding exon 4 of the MSH6 gene, results from an A to G substitution at nucleotide position 2716. The threonine at codon 906 is replaced by alanine, an amino acid with similar properties. This amino acid position is conserved. In addition, the in silico prediction for this alteration is inconclusive. Based on the available evidence, the clinical significance of this variant remains unclear.

NM_000179.3(MSH6):c.2716A>G (p.Thr906Ala)

Gene: MSH6 (mutS homolog 6; plus strand). Cytogenetic location: 2p16.3.
Variant type: single nucleotide variant.
Coding change: c.2716A>G on transcript NM_000179.3 (MANE Select); coding-DNA position 2716, A replaced by G.
Protein change: p.Thr906Ala; replaces threonine 906 with alanine.
Molecular consequence: missense variant. On other transcripts: non-coding transcript variant (5), intron variant (2).
Genome position (GRCh38, 1-based): chr2:47,800,699, A>G. VCF-style: chr2-47800699-A-G. GRCh37 (hg19) VCF-style: chr2-48027838-A-G.
Other names: c.2326A>G, p.Thr776Ala (NM_001281492.2); c.1810A>G, p.Thr604Ala (NM_001281493.2, NM_001281494.2, NM_001406811.1 and 6 more transcripts); c.2812A>G, p.Thr938Ala (NM_001406795.1, NM_001406802.1); c.2716A>G, p.Thr906Ala (NM_001406796.1, NM_001406798.1, NM_001406800.1 and 2 more transcripts); c.2419A>G, p.Thr807Ala (NM_001406797.1, NM_001406801.1, NM_001406805.1 and 10 more transcripts); c.2191A>G, p.Thr731Ala (NM_001406799.1, NM_001406806.1, NM_001406807.1); c.2638A>G, p.Thr880Ala (NM_001406804.1); c.2722A>G, p.Thr908Ala (NM_001406813.1); and 4 more; short protein forms T776A, T850A, T906A, T221A, T807A, T938A, T604A, T880A.
Identifiers: ClinVar variation 4657981 (VCV004657981.1).